The following is an entry in ClinVar:

NM_000094.4(COL7A1):c.3276+6G>C

Gene: COL7A1 (collagen type VII alpha 1 chain; minus strand). Cytogenetic location: 3p21.31.
Variant type: single nucleotide variant.
Coding change: c.3276+6G>C on transcript NM_000094.4 (MANE Select); 6 bases into the intron after coding-DNA position 3276, G replaced by C.
Molecular consequence: intron variant.
Genome position (GRCh38, 1-based): chr3:48,586,966, C>G on the plus strand (G>C on the coding strand, the complement: COL7A1 is on the minus strand). VCF-style: chr3-48586966-C-G. GRCh37 (hg19) VCF-style: chr3-48624399-C-G.
Identifiers: ClinVar variation 2140897 (VCV002140897.3), dbSNP rs376542325, ClinGen allele CA2380583.
Genomic context (GRCh38, chr3:48,586,966, plus strand): 5'-AACTGGTATGGAGCCTGGGTGGGGGGCCTCAGGGAGAGGTAGAATCTGGCTGCCCCAGGG[C>G]CAAACCTGAACTGCCTGTGGCCCAAGAGGCCCAAGTGCCAACACCAGACGCTCCAGGACC-3'

ClinVar aggregate classification (germline): Uncertain significance. Review status: criteria provided, multiple submitters, no conflicts (2 of 4 stars). 2 submissions from 2 submitters: Uncertain significance (2). Last evaluated 2024-09-26.

Allele frequency attached by ClinVar (database versions not stated): gnomAD 0.00006; TOPMed 0.00006; ESP Exome Variant Server 0.00008.
gnomAD v4.1: 156 of 1,586,926 alleles (0.0098%); highest among the groups gnomAD compares: Non-Finnish European, 0.0097%; no homozygotes.

Submissions (2):

Labcorp Genetics (formerly Invitae), Labcorp
Classification: Uncertain significance. Last evaluated: 2024-09-26. Review status: criteria provided, single submitter. Criteria: Invitae Variant Classification Sherloc (09022015). Collection method: clinical testing. Allele origin: germline.
Comment: This sequence change falls in intron 24 of the COL7A1 gene. It does not directly change the encoded amino acid sequence of the COL7A1 protein. It affects a nucleotide within the consensus splice site. This variant is present in population databases (rs376542325, gnomAD 0.08%). This variant has not been reported in the literature in individuals affected with COL7A1-related conditions. ClinVar contains an entry for this variant (Variation ID: 2140897). Variants that disrupt the consensus splice site are a relatively common cause of aberrant splicing (PMID: 17576681, 9536098). Algorithms developed to predict the effect of sequence changes on RNA splicing suggest that this variant is not likely to affect RNA splicing. In summary, the available evidence is currently insufficient to determine the role of this variant in disease. Therefore, it has been classified as a Variant of Uncertain Significance.

Women's Health and Genetics/Laboratory Corporation of America, LabCorp
Classification: Uncertain significance. Last evaluated: 2024-06-30. Review status: criteria provided, single submitter. Criteria: LabCorp Variant Classification Summary - May 2015. Collection method: clinical testing. Allele origin: germline.

Literature cited by the submitters: PubMed 17576681 (cited by Labcorp Genetics (formerly Invitae), Labcorp); PubMed 9536098 (cited by Labcorp Genetics (formerly Invitae), Labcorp).